The following is an entry in ClinVar:

ClinVar aggregate classification (germline): Uncertain significance (1 of 4 stars; one submission).

Conditions:
Argininosuccinate lyase deficiency. Also called: ARGININOSUCCINIC ACID LYASE DEFICIENCY; ASL DEFICIENCY; Argininosuccinic aciduria. Identifiers: Orphanet 23, MedGen C0268547, MONDO:0008815, OMIM 207900, HP:0025630.

Allele frequency attached by ClinVar (database versions not stated): gnomAD exomes below 0.00001.

Submission:

Labcorp Genetics (formerly Invitae), Labcorp
Classification: Uncertain significance for Argininosuccinate lyase deficiency. Last evaluated: 2020-01-05. Review status: criteria provided, single submitter. Criteria: Invitae Variant Classification Sherloc (09022015). Collection method: clinical testing. Allele origin: germline.
Comment: In summary, the available evidence is currently insufficient to determine the role of this variant in disease. Therefore, it has been classified as a Variant of Uncertain Significance. Algorithms developed to predict the effect of missense changes on protein structure and function (SIFT, PolyPhen-2, Align-GVGD) all suggest that this variant is likely to be disruptive, but these predictions have not been confirmed by published functional studies and their clinical significance is uncertain. This variant has not been reported in the literature in individuals with ASL-related conditions. This variant is not present in population databases (ExAC no frequency). This sequence change replaces leucine with proline at codon 96 of the ASL protein (p.Leu96Pro). The leucine residue is highly conserved and there is a moderate physicochemical difference between leucine and proline.

NM_000048.4(ASL):c.287T>C (p.Leu96Pro)

Gene: ASL (argininosuccinate lyase; plus strand). Cytogenetic location: 7q11.21.
Variant type: single nucleotide variant.
Coding change: c.287T>C on transcript NM_000048.4 (MANE Select); coding-DNA position 287, T replaced by C.
Protein change: p.Leu96Pro; replaces leucine 96 with proline.
Molecular consequence: missense variant.
Genome position (GRCh38, 1-based): chr7:66,082,447, T>C. VCF-style: chr7-66082447-T-C. GRCh37 (hg19) VCF-style: chr7-65547434-T-C.
Other names: c.287T>C, p.Leu96Pro (NM_001024943.2, NM_001024944.2, NM_001024946.2); short protein forms L96P.
Identifiers: ClinVar variation 1039253 (VCV001039253.9), dbSNP rs1483600747, ClinGen allele CA367639103.